The following is an entry in ClinVar:

NM_207122.2(EXT2):c.658T>C (p.Trp220Arg)

Gene: EXT2 (exostosin glycosyltransferase 2; plus strand). Cytogenetic location: 11p11.2.
Variant type: single nucleotide variant.
Coding change: c.658T>C on transcript NM_207122.2 (MANE Select); coding-DNA position 658, T replaced by C.
Protein change: p.Trp220Arg; replaces tryptophan 220 with arginine.
Molecular consequence: missense variant.
Genome position (GRCh38, 1-based): chr11:44,114,216, T>C. VCF-style: chr11-44114216-T-C. GRCh37 (hg19) VCF-style: chr11-44135766-T-C.
Other names: c.757T>C, p.Trp253Arg (NM_000401.3); c.658T>C, p.Trp220Arg (NM_001178083.3, NM_001389628.1, NM_001389630.1); short protein forms W253R, W220R.
Identifiers: ClinVar variation 2919844 (VCV002919844.3), dbSNP rs2539534340, ClinGen allele CA380164322.

ClinVar aggregate classification (germline): Uncertain significance (1 of 4 stars; one submission).

Conditions:
Exostoses, multiple, type 2 (EXT2). Also called: EXOSTOSES, MULTIPLE, TYPE II; Hereditary Multiple Osteochondromatosis, Type II. Identifiers: Orphanet 321, MedGen C1851413, MONDO:0007586, OMIM 133701.

Submission:

Labcorp Genetics (formerly Invitae), Labcorp
Classification: Uncertain significance for Exostoses, multiple, type 2. Last evaluated: 2023-04-26. Review status: criteria provided, single submitter. Criteria: Invitae Variant Classification Sherloc (09022015). Collection method: clinical testing. Allele origin: germline.
Comment: In summary, the available evidence is currently insufficient to determine the role of this variant in disease. Therefore, it has been classified as a Variant of Uncertain Significance. Advanced modeling of protein sequence and biophysical properties (such as structural, functional, and spatial information, amino acid conservation, physicochemical variation, residue mobility, and thermodynamic stability) performed at Invitae indicates that this missense variant is not expected to disrupt EXT2 protein function. This variant has not been reported in the literature in individuals affected with EXT2-related conditions. This variant is not present in population databases (gnomAD no frequency). This sequence change replaces tryptophan, which is neutral and slightly polar, with arginine, which is basic and polar, at codon 220 of the EXT2 protein (p.Trp220Arg).